The following is an entry in ClinVar:

NM_007214.5(SEC63):c.1744_1745insTTCA (p.Asn582fs)

Gene: SEC63 (SEC63 homolog, protein translocation regulator; minus strand). Cytogenetic location: 6q21.
Variant type: Insertion.
Coding change: c.1744_1745insTTCA on transcript NM_007214.5 (MANE Select); coding-DNA positions 1744 to 1745, TTCA inserted.
Protein change: p.Asn582fs; shifts the reading frame from asparagine 582.
Molecular consequence: frameshift variant.
Genome position: GRCh38 VCF-style: chr6-107883076-T-TTGAA. GRCh37 (hg19) VCF-style: chr6-108204280-T-TTGAA.
Other names: p.Asn582Ilefs*3; short protein forms N582fs.
Identifiers: ClinVar variation 3381013 (VCV003381013.1).

ClinVar aggregate classification (germline): Likely pathogenic (1 of 4 stars; one submission).

Submission:

Mayo Clinic Laboratories, Mayo Clinic
Classification: Likely pathogenic. Last evaluated: 2023-10-12. Review status: criteria provided, single submitter. Criteria: ACMG Guidelines, 2015. Collection method: clinical testing. Allele origin: germline. Observed: 1 variant allele.
Comment: PM2, PVS1